The following is an entry in ClinVar:

NM_177438.3(DICER1):c.3218A>G (p.Gln1073Arg)

Gene: DICER1 (dicer 1, ribonuclease III; minus strand). Cytogenetic location: 14q32.13.
Variant type: single nucleotide variant.
Coding change: c.3218A>G on transcript NM_177438.3 (MANE Select); coding-DNA position 3218, A replaced by G.
Protein change: p.Gln1073Arg; replaces glutamine 1073 with arginine.
Molecular consequence: missense variant. On other transcripts: non-coding transcript variant (6).
Genome position (GRCh38, 1-based): chr14:95,105,122, T>C on the plus strand (A>G on the coding strand, the complement: DICER1 is on the minus strand). VCF-style: chr14-95105122-T-C. GRCh37 (hg19) VCF-style: chr14-95571459-T-C.
Other names: c.3218A>G, p.Gln1073Arg (NM_001195573.1, NM_001271282.3, NM_001291628.2 and 12 more transcripts); c.2936A>G, p.Gln979Arg (NM_001395686.1); c.2813A>G, p.Gln938Arg (NM_001395687.1, NM_001395688.1, NM_001395689.1 and 2 more transcripts); c.2651A>G, p.Gln884Arg (NM_001395691.1); c.1535A>G, p.Gln512Arg (NM_001395697.1); short protein forms Q938R, Q1073R, Q512R, Q884R, Q979R.
Identifiers: ClinVar variation 4704604 (VCV004704604.1).

ClinVar aggregate classification (germline): Uncertain significance (1 of 4 stars; one submission).

Conditions:
DICER1-related tumor predisposition. Also called: DICER1 syndrome; DICER1-related pleuropulmonary blastoma cancer predisposition syndrome. Identifiers: Orphanet 284343, MedGen C3839822, MONDO:0100216.

gnomAD v4.1: 1 of 1,614,228 alleles (0.000062%); highest among the groups gnomAD compares: Non-Finnish European, 0.000085%; no homozygotes.

Submission:

Labcorp Genetics (formerly Invitae), Labcorp
Classification: Uncertain significance for DICER1-related tumor predisposition. Last evaluated: 2026-01-04. Review status: criteria provided, single submitter. Criteria: Invitae Variant Classification Sherloc (09022015). Collection method: clinical testing. Allele origin: germline.
Comment: This sequence change replaces glutamine, which is neutral and polar, with arginine, which is basic and polar, at codon 1073 of the DICER1 protein (p.Gln1073Arg). This variant is not present in population databases (gnomAD no frequency). This variant has not been reported in the literature in individuals affected with DICER1-related conditions. Invitae Evidence Modeling of protein sequence and biophysical properties (such as structural, functional, and spatial information, amino acid conservation, physicochemical variation, residue mobility, and thermodynamic stability) indicates that this missense variant is not expected to disrupt DICER1 protein function with a negative predictive value of 95%. In summary, the available evidence is currently insufficient to determine the role of this variant in disease. Therefore, it has been classified as a Variant of Uncertain Significance.